The following is an entry in ClinVar:

ClinVar aggregate classification (germline): Likely benign. Review status: criteria provided, multiple submitters, no conflicts (2 of 4 stars). 11 submissions from 11 submitters: Likely benign (9). 2 of the submissions do not count toward it. Last evaluated 2026-02-03.

Conditions:
Hereditary cancer-predisposing syndrome. Also called: Hereditary Cancer Syndrome; Hereditary neoplastic syndrome; Tumor predisposition; Neoplastic Syndromes, Hereditary. Identifiers: Orphanet 140162, MedGen C0027672, MeSH D009386, MONDO:0015356.
BLM-related disorder. Also called: BLM-related condition.
Bloom syndrome (BLM). Also called: Bloom-Torre-Machacek syndrome. Identifiers: Orphanet 125, MedGen C0005859, MONDO:0008876, OMIM 210900.

Allele frequency attached by ClinVar (database versions not stated): gnomAD exomes 0.00009 and 0.00023; ExAC 0.00026; 1000 Genomes Project 0.00040; 1000 Genomes Project 30x 0.00047; gnomAD 0.00082 and 0.00090; ESP Exome Variant Server 0.00092; TOPMed 0.00118.
gnomAD v4.1: 259 of 1,614,072 alleles (0.016%); highest among the groups gnomAD compares: African/African-American, 0.32%; no homozygotes.

Submissions (11):

Labcorp Genetics (formerly Invitae), Labcorp
Classification: Likely benign for Bloom syndrome. Last evaluated: 2026-02-03. Review status: criteria provided, single submitter. Criteria: Invitae Variant Classification Sherloc (09022015). Collection method: clinical testing. Allele origin: germline.

Women's Health and Genetics/Laboratory Corporation of America, LabCorp
Classification: Likely benign. Last evaluated: 2025-12-05. Review status: criteria provided, single submitter. Criteria: LabCorp Variant Classification Summary - May 2015. Collection method: clinical testing. Allele origin: germline.
Comment: Variant summary: BLM c.3592G>A (p.Val1198Met) results in a conservative amino acid change in the encoded protein sequence. Algorithms developed to predict the effect of missense changes on protein structure and function all suggest that this variant is likely to be tolerated. The variant allele was found at a frequency of 0.00023 in 251192 control chromosomes, predominantly at a frequency of 0.0033 within the African or African-American subpopulation in the gnomAD database. c.3592G>A has been observed in individual(s) affected with Bloom Syndrome. These report(s) do not provide unequivocal conclusions about association of the variant with Bloom Syndrome. To our knowledge, no experimental evidence demonstrating an impact on protein function has been reported. ClinVar contains an entry for this variant (Variation ID: 127500). Based on the evidence outlined above, the variant was classified as likely benign.

Sema4
Classification: Likely benign for Hereditary cancer-predisposing syndrome. Last evaluated: 2021-11-19. Review status: criteria provided, single submitter. Criteria: Sema4 Curation Guidelines. Collection method: curation. Allele origin: germline.

Genetic Services Laboratory, University of Chicago
Classification: Likely benign. Last evaluated: 2021-07-29. Review status: criteria provided, single submitter. Criteria: ACMG Guidelines, 2015. Collection method: clinical testing. Allele origin: germline. Affected: no.

Mendelics
Classification: Likely benign for Bloom syndrome. Last evaluated: 2019-05-28. Review status: criteria provided, single submitter. Criteria: Mendelics Assertion Criteria 2017. Collection method: clinical testing. Allele origin: unknown.

Ambry Genetics
Classification: Likely benign for Hereditary cancer-predisposing syndrome. Last evaluated: 2018-05-18. Review status: criteria provided, single submitter. Criteria: Ambry Variant Classification Scheme 2023. Collection method: clinical testing. Allele origin: germline.

Illumina Laboratory Services, Illumina
Classification: Likely benign for Bloom syndrome. Last evaluated: 2017-04-28. Review status: criteria provided, single submitter. Criteria: ICSL Variant Classification Criteria 13 December 2019. Collection method: clinical testing. Allele origin: germline.
Comment: This variant was observed as part of a predisposition screen in an ostensibly healthy population. A literature search was performed for the gene, cDNA change, and amino acid change (where applicable). Publications were found based on this search. The evidence from the literature, in combination with allele frequency data from public databases where available, was sufficient to determine this variant is unlikely to cause disease. Therefore, this variant is classified as likely benign.

GeneDx
Classification: Likely benign. Last evaluated: 2014-02-12. Review status: criteria provided, single submitter. Criteria: GeneDx Variant Classification (06012015). Collection method: clinical testing. Allele origin: germline. Affected: yes.
Comment: This variant is considered likely benign or benign based on one or more of the following criteria: it is a conservative change, it occurs at a poorly conserved position in the protein, it is predicted to be benign by multiple in silico algorithms, and/or has population frequency not consistent with disease.

Breakthrough Genomics
Classification: Likely benign. Review status: criteria provided, single submitter. Criteria: ACMG Guidelines, 2015. Collection method: not provided. Allele origin: germline. Inheritance: Autosomal recessive inheritance. Affected: yes.

PreventionGenetics, part of Exact Sciences
Classification: Likely benign for BLM-related condition. Last evaluated: 2021-03-13. Review status: no assertion criteria provided. Collection method: clinical testing. Allele origin: germline. Not counted in ClinVar's aggregate classification.
Comment: This variant is classified as likely benign based on ACMG/AMP sequence variant interpretation guidelines (Richards et al. 2015 PMID: 25741868, with internal and published modifications).

Natera, Inc.
Classification: Likely benign for Bloom syndrome. Last evaluated: 2017-11-13. Review status: no assertion criteria provided. Collection method: clinical testing. Allele origin: germline. Not counted in ClinVar's aggregate classification.

Literature cited by the submitters: PubMed 17407155 (cited by 3 submitters); PubMed 23129629 (cited by Sema4 and Ambry Genetics).

NM_000057.4(BLM):c.3592G>A (p.Val1198Met)

Gene: BLM (BLM RecQ like helicase; plus strand). Cytogenetic location: 15q26.1.
Variant type: single nucleotide variant.
Coding change: c.3592G>A on transcript NM_000057.4 (MANE Select); coding-DNA position 3592, G replaced by A.
Protein change: p.Val1198Met; replaces valine 1198 with methionine.
Molecular consequence: missense variant. On other transcripts: intron variant (1).
Genome position (GRCh38, 1-based): chr15:90,804,200, G>A. VCF-style: chr15-90804200-G-A. GRCh37 (hg19) VCF-style: chr15-91347430-G-A.
Other names: p.V1198M:GTG>ATG; c.3592G>A, p.Val1198Met (NM_001287246.2); c.2467G>A, p.Val823Met (NM_001287248.2); c.3359-4937G>A (NM_001287247.2); c.3592G>A (LRG_20t1); short protein forms V1198M, V823M.
Identifiers: ClinVar variation 127500 (VCV000127500.32), dbSNP rs142928725, ClinGen allele CA287103.